The following is an entry in ClinVar:

ClinVar aggregate classification (germline): Benign. Review status: criteria provided, multiple submitters, no conflicts (2 of 4 stars). 9 submissions from 9 submitters: Benign (7). 2 of the submissions do not count toward it. Last evaluated 2026-02-04.

Conditions:
Congenital disorder of glycosylation type 1E (CDG1E). Also called: CDG Ie; CONGENITAL DISORDER OF GLYCOSYLATION, TYPE Ie. Identifiers: Orphanet 79322, MedGen C1837396, MONDO:0012123, OMIM 608799.

Allele frequency attached by ClinVar (database versions not stated): gnomAD 0.11090 and 0.10515; gnomAD exomes 0.02593; TOPMed 0.11426; ExAC 0.04908.
gnomAD v4.1: 48,259 of 1,376,748 alleles (3.5%); highest among the groups gnomAD compares: African/African-American, 33%; 4,058 homozygotes.

Submissions 1 to 29 of 58:

Labcorp Genetics (formerly Invitae), Labcorp
Classification: Benign for Congenital disorder of glycosylation type 1E. Last evaluated: 2026-02-04. Review status: criteria provided, single submitter. Criteria: Invitae Variant Classification Sherloc (09022015). Collection method: clinical testing. Allele origin: germline.

Mayo Clinic Laboratories, Mayo Clinic
Classification: Benign. Last evaluated: 2018-04-05. Review status: criteria provided, single submitter. Criteria: ACMG Guidelines, 2015. Collection method: clinical testing. Allele origin: germline. Observed: 59 variant alleles.

Illumina Laboratory Services, Illumina
Classification: Benign for Congenital disorder of glycosylation type 1E. Last evaluated: 2018-01-13. Review status: criteria provided, single submitter. Criteria: ICSL Variant Classification Criteria 13 December 2019. Collection method: clinical testing. Allele origin: germline.
Comment: This variant was observed in the ICSL laboratory as part of a predisposition screen in an ostensibly healthy population. It had not been previously curated by ICSL or reported in the Human Gene Mutation Database (HGMD: prior to June 1st, 2018), and was therefore a candidate for classification through an automated scoring system. Utilizing variant allele frequency, disease prevalence and penetrance estimates, and inheritance mode, an automated score was calculated to assess if this variant is too frequent to cause the disease. Based on the score and internal cut-off values, a variant classified as benign is not then subjected to further curation. The score for this variant resulted in a classification of benign for this disease.

GeneDx
Classification: Benign. Last evaluated: 2016-02-15. Review status: criteria provided, single submitter. Criteria: GeneDx Variant Classification (06012015). Collection method: clinical testing. Allele origin: germline. Affected: yes.
Comment: This variant is considered likely benign or benign based on one or more of the following criteria: it is a conservative change, it occurs at a poorly conserved position in the protein, it is predicted to be benign by multiple in silico algorithms, and/or has population frequency not consistent with disease.

Eurofins Ntd Llc (ga)
Classification: Benign. Last evaluated: 2012-11-28. Review status: criteria provided, single submitter. Criteria: EGL Classification Definitions 2015. Collection method: clinical testing. Allele origin: germline. Observed: 6 variant alleles, 6 heterozygotes.

Breakthrough Genomics
Classification: Benign. Review status: criteria provided, single submitter. Criteria: ACMG Guidelines, 2015. Collection method: not provided. Allele origin: germline. Inheritance: Autosomal recessive inheritance. Affected: yes.

PreventionGenetics, part of Exact Sciences
Classification: Benign. Review status: criteria provided, single submitter. Criteria: ACMG Guidelines, 2015. Collection method: clinical testing. Allele origin: germline.

Clinical Genetics DNA and cytogenetics Diagnostics Lab, Erasmus MC, Erasmus Medical Center
Classification: Benign. Review status: no assertion criteria provided. Collection method: clinical testing. Allele origin: germline. Affected: yes. Study: VKGL Data-share Consensus. Not counted in ClinVar's aggregate classification.

Dr. Peter K. Rogan Lab, Western University
No classification provided (evidence only). Condition: Lung cancer. Review status: no classification provided. Collection method: in vitro. Allele origin: not applicable. Functional consequence: retained intron. Not counted in ClinVar's aggregate classification.

Dr. Peter K. Rogan Lab, Western University
No classification provided (evidence only). Condition: Lung cancer. Review status: no classification provided. Collection method: in vitro. Allele origin: not applicable. Functional consequence: retained intron. Not counted in ClinVar's aggregate classification.

Dr. Peter K. Rogan Lab, Western University
No classification provided (evidence only). Condition: Familial cancer of breast. Review status: no classification provided. Collection method: in vitro. Allele origin: not applicable. Functional consequence: retained intron. Not counted in ClinVar's aggregate classification.

Dr. Peter K. Rogan Lab, Western University
No classification provided (evidence only). Condition: Familial cancer of breast. Review status: no classification provided. Collection method: in vitro. Allele origin: not applicable. Functional consequence: retained intron. Not counted in ClinVar's aggregate classification.

Dr. Peter K. Rogan Lab, Western University
No classification provided (evidence only). Condition: Familial cancer of breast. Review status: no classification provided. Collection method: in vitro. Allele origin: not applicable. Functional consequence: retained intron. Not counted in ClinVar's aggregate classification.

Dr. Peter K. Rogan Lab, Western University
No classification provided (evidence only). Condition: Familial cancer of breast. Review status: no classification provided. Collection method: in vitro. Allele origin: not applicable. Functional consequence: retained intron. Not counted in ClinVar's aggregate classification.

Dr. Peter K. Rogan Lab, Western University
No classification provided (evidence only). Condition: Acute myeloid leukemia. Review status: no classification provided. Collection method: in vitro. Allele origin: not applicable. Functional consequence: retained intron. Not counted in ClinVar's aggregate classification.

Dr. Peter K. Rogan Lab, Western University
No classification provided (evidence only). Condition: Acute myeloid leukemia. Review status: no classification provided. Collection method: in vitro. Allele origin: not applicable. Functional consequence: retained intron. Not counted in ClinVar's aggregate classification.

Dr. Peter K. Rogan Lab, Western University
No classification provided (evidence only). Condition: Uterine corpus endometrial carcinoma. Review status: no classification provided. Collection method: in vitro. Allele origin: not applicable. Functional consequence: retained intron. Not counted in ClinVar's aggregate classification.

Dr. Peter K. Rogan Lab, Western University
No classification provided (evidence only). Condition: Uterine corpus endometrial carcinoma. Review status: no classification provided. Collection method: in vitro. Allele origin: not applicable. Functional consequence: retained intron. Not counted in ClinVar's aggregate classification.

Dr. Peter K. Rogan Lab, Western University
No classification provided (evidence only). Condition: Uterine corpus endometrial carcinoma. Review status: no classification provided. Collection method: in vitro. Allele origin: not applicable. Functional consequence: retained intron. Not counted in ClinVar's aggregate classification.

Dr. Peter K. Rogan Lab, Western University
No classification provided (evidence only). Condition: Uterine corpus endometrial carcinoma. Review status: no classification provided. Collection method: in vitro. Allele origin: not applicable. Functional consequence: retained intron. Not counted in ClinVar's aggregate classification.

Dr. Peter K. Rogan Lab, Western University
No classification provided (evidence only). Condition: Uterine corpus endometrial carcinoma. Review status: no classification provided. Collection method: in vitro. Allele origin: not applicable. Functional consequence: retained intron. Not counted in ClinVar's aggregate classification.

Dr. Peter K. Rogan Lab, Western University
No classification provided (evidence only). Condition: Uterine corpus endometrial carcinoma. Review status: no classification provided. Collection method: in vitro. Allele origin: not applicable. Functional consequence: retained intron. Not counted in ClinVar's aggregate classification.

Dr. Peter K. Rogan Lab, Western University
No classification provided (evidence only). Condition: Cervical cancer. Review status: no classification provided. Collection method: in vitro. Allele origin: not applicable. Functional consequence: retained intron. Not counted in ClinVar's aggregate classification.

Dr. Peter K. Rogan Lab, Western University
No classification provided (evidence only). Condition: Cervical cancer. Review status: no classification provided. Collection method: in vitro. Allele origin: not applicable. Functional consequence: retained intron. Not counted in ClinVar's aggregate classification.

Dr. Peter K. Rogan Lab, Western University
No classification provided (evidence only). Condition: Cervical cancer. Review status: no classification provided. Collection method: in vitro. Allele origin: not applicable. Functional consequence: retained intron. Not counted in ClinVar's aggregate classification.

Dr. Peter K. Rogan Lab, Western University
No classification provided (evidence only). Condition: Cervical cancer. Review status: no classification provided. Collection method: in vitro. Allele origin: not applicable. Functional consequence: retained intron. Not counted in ClinVar's aggregate classification.

Dr. Peter K. Rogan Lab, Western University
No classification provided (evidence only). Condition: Cervical cancer. Review status: no classification provided. Collection method: in vitro. Allele origin: not applicable. Functional consequence: retained intron. Not counted in ClinVar's aggregate classification.

Dr. Peter K. Rogan Lab, Western University
No classification provided (evidence only). Condition: Cervical cancer. Review status: no classification provided. Collection method: in vitro. Allele origin: not applicable. Functional consequence: retained intron. Not counted in ClinVar's aggregate classification.

Dr. Peter K. Rogan Lab, Western University
No classification provided (evidence only). Condition: Cervical cancer. Review status: no classification provided. Collection method: in vitro. Allele origin: not applicable. Functional consequence: retained intron. Not counted in ClinVar's aggregate classification.

NM_003859.3(DPM1):c.679-7A>T

Genes: ADNP-AS1 (ADNP antisense RNA 1; plus strand), DPM1 (dolichyl-phosphate mannosyltransferase subunit 1, catalytic; minus strand). Cytogenetic location: 20q13.13.
Variant type: single nucleotide variant.
Coding change: c.679-7A>T on transcript NM_003859.3 (MANE Select); 7 bases into the intron before coding-DNA position 679, A replaced by T.
Molecular consequence: intron variant.
Genome position (GRCh38, 1-based): chr20:50,935,243, T>A on the plus strand (A>T on the coding strand, the complement: DPM1 is on the minus strand). VCF-style: chr20-50935243-T-A. GRCh37 (hg19) VCF-style: chr20-49551780-T-A.
Other names: p.?; c.610-7A>T (NM_001317036.1); c.760-7A>T (NM_001317035.1); c.784-7A>T (NM_001317034.1); c.679-7A>T (NM_003859.2).
Identifiers: ClinVar variation 94380 (VCV000094380.24), dbSNP rs60224379, ClinGen allele CA147789.